The following is an entry in ClinVar:

NM_000212.3(ITGB3):c.917A>C (p.His306Pro)

Gene: ITGB3 (integrin subunit beta 3; plus strand). Cytogenetic location: 17q21.32.
Variant type: single nucleotide variant.
Coding change: c.917A>C on transcript NM_000212.3 (MANE Select); coding-DNA position 917, A replaced by C.
Protein change: p.His306Pro; replaces histidine 306 with proline.
Molecular consequence: missense variant.
Genome position (GRCh38, 1-based): chr17:47,287,209, A>C. VCF-style: chr17-47287209-A-C. GRCh37 (hg19) VCF-style: chr17-45364575-A-C.
Other names: NM_000212.3:c.917A>C; short protein forms H306P.
Identifiers: ClinVar variation 1330311 (VCV001330311.6), dbSNP rs13306476, ClinGen allele CA291224999.

ClinVar aggregate classification (germline): Likely pathogenic. Review status: reviewed by expert panel (3 of 4 stars). 3 submissions from 3 submitters: Likely pathogenic (1). 2 of the submissions do not count toward it. Last evaluated 2024-11-07.

Conditions:
Glanzmann thrombasthenia 2. Also called: BLEEDING DISORDER, PLATELET-TYPE, 23. Identifiers: MedGen C5543273, MONDO:0031009, OMIM 619267.
Glanzmann thrombasthenia. Also called: THROMBASTHENIA OF GLANZMANN AND NAEGELI; PLATELET GLYCOPROTEIN IIb-IIIa DEFICIENCY; Thrombasthenia; Glanzmann's thrombasthenia. Identifiers: Orphanet 849, MedGen C0040015, MONDO:0100326.

Allele frequency attached by ClinVar (database versions not stated): gnomAD 0.00001.
gnomAD v4.1: 16 of 1,613,794 alleles (0.00099%); highest among the groups gnomAD compares: East Asian, 0.036%; no homozygotes.

Submissions (3):

ClinGen Platelet Disorders Variant Curation Expert Panel, ClinGen
Classification: Likely pathogenic for Glanzmann thrombasthenia. Last evaluated: 2024-11-07. Review status: reviewed by expert panel. Criteria: ClinGen Platelet ACMG Specifications v2-1. Collection method: curation. Allele origin: germline. Inheritance: Autosomal recessive inheritance.
Comment: The NM_000212.3(ITGB3):c.917A>C (p.His306Pro) missense variant has been reported in at least six GT probands, including two homozygotes (Osaka-5 of PMID: 11806996; patient NT of PMID: 9790984) and four compound heterozygotes (PMIDs: 34066320, 15634267, 9790984). Contributing to this classification is patient TK of PMID: 9790984, who is compound heterozygous for the maternal His306Pro variant and the paternal Gly605Ser (classified Likely Pathogenic by the PD-EP) variant. (PM3_Strong). At least three patients (Patients TK, NT, and HJ in PMID:9790984) with this variant displayed mucocutaneous bleeding and impaired aggregation with all agonists except ristocetin, which is highly specific for Glanzmann thrombasthenia (PP4_moderate). Additionally, αIIbβ3 surface expression was reduced to 19.9%, 7.5% and15.4% respectively, as measured by flow cytometry. Similarly, surface expression of αIIbβ3 measured by flow cytometry in 293 cells transiently co-transfected with His306Pro variant β3 and wild type αIIb showed decreased expression at 25% indicating that this variant impacts protein function (PMID: 11806996; PS3_moderate). In summary this variant meets criteria to be classified as Likely Pathogenic for autosomal recessive Glanzmann Thrombasthenia based on the ACMG/AMP criteria applied, as specified by the ClinGen PD VCEP: PS3_moderate, PM3_strong, PP4_moderate.

Women's Health and Genetics/Laboratory Corporation of America, LabCorp
Classification: Pathogenic for Glanzmann thrombasthenia 2. Last evaluated: 2026-02-05. Review status: criteria provided, single submitter. Criteria: LabCorp Variant Classification Summary - May 2015. Collection method: clinical testing. Allele origin: germline. Not counted in ClinVar's aggregate classification.
Comment: Variant summary: ITGB3 c.917A>C (p.His306Pro) results in a non-conservative amino acid change in the encoded protein sequence. Algorithms developed to predict the effect of missense changes on protein structure and function all suggest that this variant is likely to be disruptive. The variant allele was found at a frequency of 4e-06 in 251162 control chromosomes. c.917A>C has been observed in multiple individuals affected with Glanzmann Thrombasthenia (example: Ambo_1998, Tadokoro_2002, Yang_2021). These data indicate that the variant is very likely to be associated with disease. The following publications have been ascertained in the context of this evaluation (PMID: 9790984, 34066320, 11806996). ClinVar contains an entry for this variant (Variation ID: 1330311). Based on the evidence outlined above, the variant was classified as pathogenic.

Labcorp Genetics (formerly Invitae), Labcorp
Classification: Pathogenic. Last evaluated: 2023-05-09. Review status: criteria provided, single submitter. Criteria: Invitae Variant Classification Sherloc (09022015). Collection method: clinical testing. Allele origin: germline. Not counted in ClinVar's aggregate classification.
Comment: This variant is present in population databases (rs13306476, gnomAD 0.006%). This missense change has been observed in individuals with Glanzmann thrombasthenia (PMID: 9790984, 34066320). This variant is also known as H280P. ClinVar contains an entry for this variant (Variation ID: 1330311). Advanced modeling of protein sequence and biophysical properties (such as structural, functional, and spatial information, amino acid conservation, physicochemical variation, residue mobility, and thermodynamic stability) performed at Invitae indicates that this missense variant is expected to disrupt ITGB3 protein function. For these reasons, this variant has been classified as Pathogenic. This sequence change replaces histidine, which is basic and polar, with proline, which is neutral and non-polar, at codon 306 of the ITGB3 protein (p.His306Pro).

Literature cited by the submitters: PubMed 11806996 (cited by Women's Health and Genetics/Laboratory Corporation of America, LabCorp); PubMed 9790984 (cited by Women's Health and Genetics/Laboratory Corporation of America, LabCorp and Labcorp Genetics (formerly Invitae), Labcorp); PubMed 34066320 (cited by Women's Health and Genetics/Laboratory Corporation of America, LabCorp and Labcorp Genetics (formerly Invitae), Labcorp).